The following is an entry in ClinVar:

NM_001127222.2(CACNA1A):c.5396T>C (p.Phe1799Ser)

Gene: CACNA1A (calcium voltage-gated channel subunit alpha1 A; minus strand). Cytogenetic location: 19p13.13.
Variant type: single nucleotide variant.
Coding change: c.5396T>C on transcript NM_001127222.2 (MANE Select); coding-DNA position 5396, T replaced by C.
Protein change: p.Phe1799Ser; replaces phenylalanine 1799 with serine.
Molecular consequence: missense variant.
Genome position (GRCh38, 1-based): chr19:13,231,714, A>G on the plus strand (T>C on the coding strand, the complement: CACNA1A is on the minus strand). VCF-style: chr19-13231714-A-G. GRCh37 (hg19) VCF-style: chr19-13342528-A-G.
Other names: c.5414T>C, p.Phe1805Ser (NM_000068.4, NM_023035.3); c.5399T>C, p.Phe1800Ser (NM_001127221.2); c.5405T>C, p.Phe1802Ser (NM_001174080.2); short protein forms F1799S, F1800S, F1802S, F1805S.
Identifiers: ClinVar variation 4755826 (VCV004755826.1).

ClinVar aggregate classification (germline): Uncertain significance (1 of 4 stars; one submission).

Submission:

GeneDx
Classification: Uncertain significance. Last evaluated: 2025-08-03. Review status: criteria provided, single submitter. Criteria: GeneDx Variant Classification Process June 2021. Collection method: clinical testing. Allele origin: germline. Affected: yes.
Comment: Not observed at significant frequency in large population cohorts (gnomAD); In silico analysis supports that this missense variant has a deleterious effect on protein structure/function; Has not been previously published as pathogenic or benign to our knowledge